The following is an entry in ClinVar:

ClinVar aggregate classification (germline): Uncertain significance (1 of 4 stars; one submission).

Conditions:
JMJD1C-associated Neurodevelopmental Disorder.

Allele frequency attached by ClinVar (database versions not stated): gnomAD exomes below 0.00001 and 0.00001; ExAC 0.00001; TOPMed 0.00002; ESP Exome Variant Server 0.00008.
gnomAD v4.1: 25 of 1,613,938 alleles (0.0015%); highest among the groups gnomAD compares: Non-Finnish European, 0.0016%; no homozygotes.

Submission:

New York Genome Center
Classification: Uncertain significance for JMJD1C-associated Neurodevelopmental Disorder. Last evaluated: 2021-02-19. Review status: criteria provided, single submitter. Criteria: NYGC Assertion Criteria 2020. Collection method: clinical testing. Allele origin: inherited. Observed: 1 heterozygote. Study: CSER-NYCKidSeq.
Comment: The inherited heterozygous c.6410A>C (p.Glu2137Ala) missense variant identified in the JMJD1C gene has not been reported in affected individual in the literature. The variant is absent from the gnomAD database suggesting it is not a common benign variant in populations represented in that database. The variant affects a weakly conserved residue and in silico tools provide conflicting predictions about potential pathogenicity of this variant. Functional studies to evaluate the potential consequencesof this variant have not been reported. Based on the available evidence, the inherited heterozygous c.6410A>C (p.Glu2137Ala) missense variant identified in the JMJD1C gene is reported as a variant of uncertain significance.

NM_032776.3(JMJD1C):c.6410A>C (p.Glu2137Ala)

Gene: JMJD1C (jumonji domain containing 1C; minus strand). Cytogenetic location: 10q21.3.
Variant type: single nucleotide variant.
Coding change: c.6410A>C on transcript NM_032776.3 (MANE Select); coding-DNA position 6410, A replaced by C.
Protein change: p.Glu2137Ala; replaces glutamic acid 2137 with alanine.
Molecular consequence: missense variant. On other transcripts: non-coding transcript variant (1).
Genome position (GRCh38, 1-based): chr10:63,189,328, T>G on the plus strand (A>C on the coding strand, the complement: JMJD1C is on the minus strand). VCF-style: chr10-63189328-T-G. GRCh37 (hg19) VCF-style: chr10-64949088-T-G.
Other names: c.5864A>C, p.Glu1955Ala (NM_001282948.2, NM_001318154.2); c.5546A>C, p.Glu1849Ala (NM_001318153.2); c.6296A>C, p.Glu2099Ala (NM_001322252.2); c.5753A>C, p.Glu1918Ala (NM_001322254.2, NM_001322258.2); short protein forms E1849A, E1918A, E1955A, E2099A, E2137A.
Identifiers: ClinVar variation 1342382 (VCV001342382.1), dbSNP rs369068631, ClinGen allele CA5517874.